The following is an entry in ClinVar:

ClinVar aggregate classification (germline): Conflicting classifications of pathogenicity. Review status: criteria provided, conflicting classifications (1 of 4 stars). 4 submissions from 4 submitters: Uncertain significance (2); Likely benign (2). Last evaluated 2025-12-08.

Conditions:
Cardiovascular phenotype. Identifiers: MedGen CN230736.

Allele frequency attached by ClinVar (database versions not stated): gnomAD 0.00001 and 0.00003; TOPMed 0.00002; gnomAD exomes 0.00004 and 0.00012; ExAC 0.00027.
gnomAD v4.1: 65 of 1,550,210 alleles (0.0042%); highest among the groups gnomAD compares: South Asian, 0.052%; no homozygotes.

Submissions (4):

Labcorp Genetics (formerly Invitae), Labcorp
Classification: Uncertain significance. Last evaluated: 2025-12-08. Review status: criteria provided, single submitter. Criteria: Invitae Variant Classification Sherloc (09022015). Collection method: clinical testing. Allele origin: germline.
Comment: This sequence change replaces arginine, which is basic and polar, with histidine, which is basic and polar, at codon 2588 of the ZNF469 protein (p.Arg2588His). This variant is present in population databases (rs368063668, gnomAD 0.07%). This variant has not been reported in the literature in individuals affected with ZNF469-related conditions. ClinVar contains an entry for this variant (Variation ID: 1338904). An algorithm developed to predict the effect of missense changes on protein structure and function (PolyPhen-2) suggests that this variant is likely to be tolerated. In summary, the available evidence is currently insufficient to determine the role of this variant in disease. Therefore, it has been classified as a Variant of Uncertain Significance.

Mayo Clinic Laboratories, Mayo Clinic
Classification: Likely benign. Last evaluated: 2025-09-29. Review status: criteria provided, single submitter. Criteria: ACMG Guidelines, 2015. Collection method: clinical testing. Allele origin: germline. Observed: 1 variant allele.
Comment: BS1, BP4_moderate

GeneDx
Classification: Uncertain significance. Last evaluated: 2024-06-17. Review status: criteria provided, single submitter. Criteria: GeneDx Variant Classification Process June 2021. Collection method: clinical testing. Allele origin: germline. Affected: yes.
Comment: In silico analysis indicates that this missense variant does not alter protein structure/function; Has not been previously published as pathogenic or benign to our knowledge

Ambry Genetics
Classification: Likely benign for Cardiovascular phenotype. Last evaluated: 2021-11-19. Review status: criteria provided, single submitter. Criteria: Ambry Variant Classification Scheme 2023. Collection method: clinical testing. Allele origin: germline.

NM_001367624.2(ZNF469):c.7847G>A (p.Arg2616His)

Gene: ZNF469 (zinc finger protein 469; plus strand). Cytogenetic location: 16q24.2.
Variant type: single nucleotide variant.
Coding change: c.7847G>A on transcript NM_001367624.2 (MANE Select); coding-DNA position 7847, G replaced by A.
Protein change: p.Arg2616His; replaces arginine 2616 with histidine.
Molecular consequence: missense variant.
Genome position (GRCh38, 1-based): chr16:88,435,317, G>A. VCF-style: chr16-88435317-G-A. GRCh37 (hg19) VCF-style: chr16-88501725-G-A.
Other names: NM_001127464.1:c.7763G>A; p.Arg2616His; short protein forms R2616H.
Identifiers: ClinVar variation 1338904 (VCV001338904.11), dbSNP rs368063668, ClinGen allele CA8225284.